The following is an entry in ClinVar:

NM_006662.3(SRCAP):c.1493-3T>C

Gene: SRCAP (Snf2 related CREBBP activator protein; plus strand). Cytogenetic location: 16p11.2.
Variant type: single nucleotide variant.
Coding change: c.1493-3T>C on transcript NM_006662.3 (MANE Select); 3 bases into the intron before coding-DNA position 1493, T replaced by C.
Molecular consequence: intron variant.
Genome position (GRCh38, 1-based): chr16:30,711,832, T>C. VCF-style: chr16-30711832-T-C. GRCh37 (hg19) VCF-style: chr16-30723153-T-C.
Identifiers: ClinVar variation 1375038 (VCV001375038.6), dbSNP rs545160428, ClinGen allele CA8011020.

ClinVar aggregate classification (germline): Uncertain significance (1 of 4 stars; one submission).

Allele frequency attached by ClinVar (database versions not stated): gnomAD exomes below 0.00001; ExAC 0.00001; gnomAD 0.00001; 1000 Genomes Project 30x 0.00016; 1000 Genomes Project 0.00020.
gnomAD v4.1: 1 of 1,613,752 alleles (0.000062%); highest among the groups gnomAD compares: African/African-American, 0.0013%; no homozygotes.

Submission:

Labcorp Genetics (formerly Invitae), Labcorp
Classification: Uncertain significance. Last evaluated: 2021-09-20. Review status: criteria provided, single submitter. Criteria: Invitae Variant Classification Sherloc (09022015). Collection method: clinical testing. Allele origin: germline.
Comment: This variant is present in population databases (rs545160428, ExAC 0.01%). In summary, the available evidence is currently insufficient to determine the role of this variant in disease. Therefore, it has been classified as a Variant of Uncertain Significance. Variants that disrupt the consensus splice site are a relatively common cause of aberrant splicing (PMID: 17576681, 9536098). Algorithms developed to predict the effect of sequence changes on RNA splicing suggest that this variant is not likely to affect RNA splicing. This variant has not been reported in the literature in individuals affected with SRCAP-related conditions. This sequence change falls in intron 11 of the SRCAP gene. It does not directly change the encoded amino acid sequence of the SRCAP protein. It affects a nucleotide within the consensus splice site of the intron.

Literature cited by the submitters: PubMed 17576681; PubMed 9536098.